The following is an entry in ClinVar:

ClinVar aggregate classification (germline): Pathogenic (1 of 4 stars; one submission).

Conditions:
Retinitis pigmentosa 12 (RP12). Also called: RP WITH OR WITHOUT PRESERVED PARAARTERIOLE RETINAL PIGMENT EPITHELIUM; RETINITIS PIGMENTOSA WITH OR WITHOUT PARAARTERIOLAR PRESERVATION OF RETINAL PIGMENT EPITHELIUM; RP WITH OR WITHOUT PPRPE. Identifiers: Orphanet 791, MedGen C1838647, MONDO:0010818, OMIM 600105.
Leber congenital amaurosis 8 (LCA8). Identifiers: Orphanet 65, MedGen C3151202, MONDO:0013453, OMIM 613835.

Submission:

Labcorp Genetics (formerly Invitae), Labcorp
Classification: Pathogenic for Leber congenital amaurosis 8; Retinitis pigmentosa 12. Last evaluated: 2022-07-19. Review status: criteria provided, single submitter. Criteria: Invitae Variant Classification Sherloc (09022015). Collection method: clinical testing. Allele origin: germline.
Comment: This variant is not present in population databases (gnomAD no frequency). This sequence change replaces cysteine, which is neutral and slightly polar, with arginine, which is basic and polar, at codon 508 of the CRB1 protein (p.Cys508Arg). This missense change has been observed in individual(s) with retinal dystrophy (PMID: 31630094; Invitae). In at least one individual the data is consistent with being in trans (on the opposite chromosome) from a pathogenic variant. For these reasons, this variant has been classified as Pathogenic. Advanced modeling of protein sequence and biophysical properties (such as structural, functional, and spatial information, amino acid conservation, physicochemical variation, residue mobility, and thermodynamic stability) performed at Invitae indicates that this missense variant is expected to disrupt CRB1 protein function. ClinVar contains an entry for this variant (Variation ID: 1039551).

Literature cited by the submitters: PubMed 31630094.

NM_201253.3(CRB1):c.1522T>C (p.Cys508Arg)

Gene: CRB1 (crumbs cell polarity complex component 1; plus strand). Cytogenetic location: 1q31.3.
Variant type: single nucleotide variant.
Coding change: c.1522T>C on transcript NM_201253.3 (MANE Select); coding-DNA position 1522, T replaced by C.
Protein change: p.Cys508Arg; replaces cysteine 508 with arginine.
Molecular consequence: missense variant. On other transcripts: non-coding transcript variant (2).
Genome position (GRCh38, 1-based): chr1:197,421,350, T>C. VCF-style: chr1-197421350-T-C. GRCh37 (hg19) VCF-style: chr1-197390480-T-C.
Other names: c.1186T>C, p.Cys396Arg (NM_001193640.2); c.1315T>C, p.Cys439Arg (NM_001257965.2); c.1522T>C, p.Cys508Arg (NM_001257966.2); short protein forms C508R, C396R, C439R.
Identifiers: ClinVar variation 1039551 (VCV001039551.10), dbSNP rs1664303657, ClinGen allele CA344031292.